The following is an entry in ClinVar:

NM_000548.5(TSC2):c.1314G>A (p.Lys438=)

Gene: TSC2 (TSC complex subunit 2; plus strand). Cytogenetic location: 16p13.3.
Variant type: single nucleotide variant.
Coding change: c.1314G>A on transcript NM_000548.5 (MANE Select); coding-DNA position 1314, G replaced by A.
Protein change: p.Lys438=; no amino-acid change (lysine 438 retained).
Molecular consequence: synonymous variant.
Genome position (GRCh38, 1-based): chr16:2,062,553, G>A. VCF-style: chr16-2062553-G-A. GRCh37 (hg19) VCF-style: chr16-2112554-G-A.
Other names: c.1314G>A, p.Lys438= (NM_001077183.3, NM_001114382.3, NM_001363528.2 and 3 more transcripts); c.1203G>A, p.Lys401= (NM_001318827.2); c.1167G>A, p.Lys389= (NM_001318829.2); c.714G>A, p.Lys238= (NM_001318831.2); c.1347G>A, p.Lys449= (NM_001318832.2); c.1314G>A (NM_000548.4).
Identifiers: ClinVar variation 413644 (VCV000413644.21), dbSNP rs201584852, ClinGen allele CA029337.

ClinVar aggregate classification (germline): Benign/Likely benign. Review status: criteria provided, multiple submitters, no conflicts (2 of 4 stars). 7 submissions from 7 submitters: Benign (3); Likely benign (4). Last evaluated 2025-12-17.

Conditions:
TSC2-related disorder. Also called: TSC2-Related Disorders; TSC2-related condition.
Hereditary cancer-predisposing syndrome. Also called: Hereditary Cancer Syndrome; Tumor predisposition; Hereditary neoplastic syndrome; Neoplastic Syndromes, Hereditary. Identifiers: Orphanet 140162, MedGen C0027672, MeSH D009386, MONDO:0015356.
Tuberous sclerosis syndrome (TSC). Also called: Tuberous sclerosis; Tuberous Sclerosis Complex. Identifiers: Orphanet 805, MedGen C0041341, MONDO:0001734.
Tuberous sclerosis 2 (TSC2). Identifiers: Orphanet 805, MedGen C1860707, MONDO:0013199, OMIM 613254.

Allele frequency attached by ClinVar (database versions not stated): ExAC 0.00003; gnomAD 0.00003 and 0.00001; gnomAD exomes 0.00006 and 0.00001; 1000 Genomes Project 30x 0.00031; 1000 Genomes Project 0.00040; TOPMed 0.00002.
gnomAD v4.1: 87 of 1,612,470 alleles (0.0054%); highest among the groups gnomAD compares: East Asian, 0.19%; 1 homozygote.

Submissions (7):

Labcorp Genetics (formerly Invitae), Labcorp
Classification: Benign for Tuberous sclerosis 2. Last evaluated: 2025-12-17. Review status: criteria provided, single submitter. Criteria: Invitae Variant Classification Sherloc (09022015). Collection method: clinical testing. Allele origin: germline.

PreventionGenetics, part of Exact Sciences
Classification: Likely benign for TSC2-related condition. Last evaluated: 2025-10-07. Review status: criteria provided, single submitter. Criteria: ACMG Guidelines, 2015. Collection method: clinical testing. Allele origin: germline.
Comment: This variant is classified as likely benign based on ACMG/AMP sequence variant interpretation guidelines (Richards et al. 2015 PMID: 25741868, with internal and published modifications).

Myriad Genetics, Inc.
Classification: Benign for Tuberous sclerosis 2. Last evaluated: 2025-05-13. Review status: criteria provided, single submitter. Criteria: Myriad Autosomal Dominant, Autosomal Recessive and X-Linked Classification Criteria (2023). Collection method: clinical testing. Allele origin: unknown.
Comment: This variant is considered benign. This variant is a silent/synonymous amino acid change and it is not expected to impact splicing.

Color Diagnostics, LLC DBA Color Health
Classification: Likely benign for Tuberous sclerosis syndrome. Last evaluated: 2022-09-20. Review status: criteria provided, single submitter. Criteria: ACMG Guidelines, 2015. Collection method: clinical testing. Allele origin: germline.

Genome-Nilou Lab
Classification: Benign for Tuberous sclerosis 2. Last evaluated: 2021-11-07. Review status: criteria provided, single submitter. Criteria: ACMG Guidelines, 2015. Collection method: clinical testing. Allele origin: germline. Affected: no.

Sema4
Classification: Likely benign for Hereditary cancer-predisposing syndrome. Last evaluated: 2021-08-09. Review status: criteria provided, single submitter. Criteria: Sema4 Curation Guidelines. Collection method: curation. Allele origin: germline.

Ambry Genetics
Classification: Likely benign for Hereditary cancer-predisposing syndrome. Last evaluated: 2017-10-05. Review status: criteria provided, single submitter. Criteria: Ambry Variant Classification Scheme 2023. Collection method: clinical testing. Allele origin: germline.